The following is an entry in ClinVar:

ClinVar aggregate classification (germline): Likely pathogenic (1 of 4 stars; one submission).

Allele frequency attached by ClinVar (database versions not stated): gnomAD exomes below 0.00001.
gnomAD v4.1: 5 of 1,547,510 alleles (0.00032%); highest among the groups gnomAD compares: South Asian, 0.0036%; no homozygotes.

Submission:

Labcorp Genetics (formerly Invitae), Labcorp
Classification: Likely pathogenic. Last evaluated: 2022-02-03. Review status: criteria provided, single submitter. Criteria: Invitae Variant Classification Sherloc (09022015). Collection method: clinical testing. Allele origin: germline.
Comment: In summary, the currently available evidence indicates that the variant is pathogenic, but additional data are needed to prove that conclusively. Therefore, this variant has been classified as Likely Pathogenic. Algorithms developed to predict the effect of sequence changes on RNA splicing suggest that this variant may disrupt the consensus splice site. This variant has not been reported in the literature in individuals affected with OTOG-related conditions. This variant is not present in population databases (gnomAD no frequency). This sequence change affects a donor splice site in intron 28 of the OTOG gene. It is expected to disrupt RNA splicing. Variants that disrupt the donor or acceptor splice site typically lead to a loss of protein function (PMID: 16199547), and loss-of-function variants in OTOG are known to be pathogenic (PMID: 23122587).

Literature cited by the submitters: PubMed 16199547; PubMed 23122587.

NM_001292063.2(OTOG):c.3525+1G>A

Gene: OTOG (otogelin; plus strand). Cytogenetic location: 11p15.1.
Variant type: single nucleotide variant.
Coding change: c.3525+1G>A on transcript NM_001292063.2 (MANE Select); the canonical splice donor site of the intron after coding-DNA position 3525, G replaced by A.
Molecular consequence: splice donor variant.
Genome position (GRCh38, 1-based): chr11:17,596,155, G>A. VCF-style: chr11-17596155-G-A. GRCh37 (hg19) VCF-style: chr11-17617702-G-A.
Other names: c.3561+1G>A (NM_001277269.2).
Identifiers: ClinVar variation 2092349 (VCV002092349.4), dbSNP rs1354270268, ClinGen allele CA379785979.